The following is an entry in ClinVar:

ClinVar aggregate classification (germline): Uncertain significance (1 of 4 stars; one submission).

Conditions:
Long QT syndrome (LQTS). Identifiers: MedGen C0023976, MeSH D008133, MONDO:0002442. Disease mechanism: loss of function. Inheritance: Various modes of inheritance.

Allele frequency attached by ClinVar (database versions not stated): gnomAD exomes below 0.00001.
gnomAD v4.1: 2 of 1,613,082 alleles (0.00012%); highest among the groups gnomAD compares: Non-Finnish European, 0.000085%; no homozygotes.

Submission:

Labcorp Genetics (formerly Invitae), Labcorp
Classification: Uncertain significance for Long QT syndrome. Last evaluated: 2019-04-30. Review status: criteria provided, single submitter. Criteria: Invitae Variant Classification Sherloc (09022015). Collection method: clinical testing. Allele origin: germline.
Comment: This sequence change replaces methionine with threonine at codon 554 of the KCNH2 protein (p.Met554Thr). The methionine residue is highly conserved and there is a moderate physicochemical difference between methionine and threonine. This variant is not present in population databases (ExAC no frequency). This variant has been observed in a family affected with sudden cardiac death and long QT syndrome (PMID: 27000522). Algorithms developed to predict the effect of missense changes on protein structure and function (SIFT, PolyPhen-2, Align-GVGD) all suggest that this variant is likely to be disruptive, but these predictions have not been confirmed by published functional studies and their clinical significance is uncertain. In summary, the available evidence is currently insufficient to determine the role of this variant in disease. Therefore, it has been classified as a Variant of Uncertain Significance.

Literature cited by the submitters: PubMed 27000522.

NM_000238.4(KCNH2):c.1661T>C (p.Met554Thr)

Gene: KCNH2 (potassium voltage-gated channel subfamily H member 2; minus strand). Cytogenetic location: 7q36.1.
Variant type: single nucleotide variant.
Coding change: c.1661T>C on transcript NM_000238.4 (MANE Select); coding-DNA position 1661, T replaced by C.
Protein change: p.Met554Thr; replaces methionine 554 with threonine.
Molecular consequence: missense variant.
Genome position (GRCh38, 1-based): chr7:150,951,732, A>G on the plus strand (T>C on the coding strand, the complement: KCNH2 is on the minus strand). VCF-style: chr7-150951732-A-G. GRCh37 (hg19) VCF-style: chr7-150648820-A-G.
Other names: c.641T>C, p.Met214Thr (NM_001204798.2, NM_172057.3); c.1373T>C, p.Met458Thr (NM_001406753.1, NM_001406756.1); c.1484T>C, p.Met495Thr (NM_001406755.1); c.1361T>C, p.Met454Thr (NM_001406757.1); c.1661T>C, p.Met554Thr (NM_172056.3); short protein forms M214T, M554T, M454T, M458T, M495T.
Identifiers: ClinVar variation 642793 (VCV000642793.4), dbSNP rs1584854609, ClinGen allele CA369858895.